The following is an entry in ClinVar:

NM_023110.3(FGFR1):c.92-6C>G

Gene: FGFR1 (fibroblast growth factor receptor 1; minus strand). Cytogenetic location: 8p11.23.
Variant type: single nucleotide variant.
Coding change: c.92-6C>G on transcript NM_023110.3 (MANE Select); 6 bases into the intron before coding-DNA position 92, C replaced by G.
Molecular consequence: intron variant.
Genome position (GRCh38, 1-based): chr8:38,429,954, G>C on the plus strand (C>G on the coding strand, the complement: FGFR1 is on the minus strand). VCF-style: chr8-38429954-G-C. GRCh37 (hg19) VCF-style: chr8-38287472-G-C.
Other names: c.92-1519C>G (NM_001354368.2, NM_001354370.2, NM_023106.3 and 2 more transcripts); c.92-6C>G (NM_001354367.2, NM_015850.4, NM_001174063.2 and 2 more transcripts); c.68-6C>G (NM_001174064.2); c.191-6C>G (NM_001174067.2).
Identifiers: ClinVar variation 1982548 (VCV001982548.5), dbSNP rs370666667, ClinGen allele CA4718880.

ClinVar aggregate classification (germline): Conflicting classifications of pathogenicity. Review status: criteria provided, conflicting classifications (1 of 4 stars). 2 submissions from 2 submitters: Uncertain significance (1); Likely benign (1). Last evaluated 2025-05-11.

Conditions:
Inborn genetic diseases. Identifiers: MedGen C0950123, MeSH D030342.
Hypogonadotropic hypogonadism 2 with or without anosmia (HH2). Also called: FGFR1-Related GnRH Deficiency (Kallmann Syndrome 2); HYPOGONADOTROPIC HYPOGONADISM 2 WITH OR WITHOUT ANOSMIA, SUSCEPTIBILITY TO; HYPOGONADOTROPIC HYPOGONADISM 2 WITHOUT ANOSMIA, SUSCEPTIBILITY TO; HYPOGONADOTROPIC HYPOGONADISM 2 WITHOUT ANOSMIA. Identifiers: Orphanet 478, MedGen C1563720, MONDO:0007844, OMIM 147950. Disease mechanism: loss of function.
Pfeiffer syndrome (ACS5). Also called: ACS V. Identifiers: Orphanet 710, MedGen C0220658, MONDO:0007043, OMIM 101600.

Allele frequency attached by ClinVar (database versions not stated): gnomAD 0.00003; TOPMed 0.00003; ESP Exome Variant Server 0.00008.

Submissions (2):

Labcorp Genetics (formerly Invitae), Labcorp
Classification: Likely benign for Pfeiffer syndrome; Hypogonadotropic hypogonadism 2 with or without anosmia. Last evaluated: 2025-05-11. Review status: criteria provided, single submitter. Criteria: Invitae Variant Classification Sherloc (09022015). Collection method: clinical testing. Allele origin: germline.

Ambry Genetics
Classification: Uncertain significance for Inborn genetic diseases. Last evaluated: 2022-02-28. Review status: criteria provided, single submitter. Criteria: Ambry Variant Classification Scheme 2023. Collection method: clinical testing. Allele origin: germline.
Comment: The c.92-6C>G intronic alteration consists of a C to G substitution 6 nucleotides before exon 2 (coding exon 1) of the FGFR1 gene. Based on insufficient or conflicting evidence, the clinical significance of this alteration remains unclear.